The following is an entry in ClinVar:

NM_148919.4(PSMB8):c.137G>A (p.Arg46Gln)

Gene: PSMB8 (proteasome 20S subunit beta 8; minus strand). Cytogenetic location: 6p21.32.
Variant type: single nucleotide variant.
Coding change: c.137G>A on transcript NM_148919.4 (MANE Select); coding-DNA position 137, G replaced by A.
Protein change: p.Arg46Gln; replaces arginine 46 with glutamine.
Molecular consequence: missense variant. On other transcripts: intron variant (1).
Genome position (GRCh38, 1-based): chr6:32,843,860, C>T on the plus strand (G>A on the coding strand, the complement: PSMB8 is on the minus strand). VCF-style: chr6-32843860-C-T. GRCh37 (hg19) VCF-style: chr6-32811637-C-T.
Other names: c.135+419G>A (NM_004159.5); short protein forms R46Q.
Identifiers: ClinVar variation 858159 (VCV000858159.11), dbSNP rs758313787, ClinGen allele CA3746494.
Genomic context (GRCh38, chr6:32,843,860, plus strand): 5'-CCTCAGCGCCCGCCTCCCTGCATCCCTAGGGGCTTCCCTACTGCCCCGACCTGCATTCCC[C>T]GGGGTAAAGCGAGCTCTGGAGATCGCATAGAGAAACTGTAGTGTCCTGGGTCCGAGCGAC-3'
Protein context (NP_683720.2, residues 36-56): SMRSPELALP[Arg46Gln]GMQPTEFFQS

ClinVar aggregate classification (germline): Uncertain significance. Review status: criteria provided, multiple submitters, no conflicts (2 of 4 stars). 3 submissions from 3 submitters: Uncertain significance (3). Last evaluated 2025-08-22.

Conditions:
Inborn genetic diseases. Identifiers: MedGen C0950123, MeSH D030342.
Proteasome-associated autoinflammatory syndrome 1 (PRAAS1). Also called: JOINT CONTRACTURES, MUSCULAR ATROPHY, MICROCYTIC ANEMIA, AND PANNICULITIS-INDUCED LIPODYSTROPHY; JMP SYNDROME; AUTOINFLAMMATION, LIPODYSTROPHY, AND DERMATOSIS SYNDROME; NAKAJO-NISHIMURA SYNDROME; CHRONIC ATYPICAL NEUTROPHILIC DERMATOSIS WITH LIPODYSTROPHY AND ELEVATED TEMPERATURE SYNDROME; Nakajo syndrome. Identifiers: Orphanet 2615, Orphanet 324977, Orphanet 324999, Orphanet 325004, MedGen C4746851, MONDO:0054698, OMIM 256040.

Allele frequency attached by ClinVar (database versions not stated): gnomAD 0.00002; TOPMed 0.00002; ExAC 0.00003; gnomAD exomes 0.00003.
gnomAD v4.1: 28 of 1,612,684 alleles (0.0017%); highest among the groups gnomAD compares: Non-Finnish European, 0.00076%; no homozygotes.

Submissions (3):

Ambry Genetics
Classification: Uncertain significance for Inborn genetic diseases. Last evaluated: 2025-08-22. Review status: criteria provided, single submitter. Criteria: Ambry Variant Classification Scheme 2023. Collection method: clinical testing. Allele origin: germline.

Labcorp Genetics (formerly Invitae), Labcorp
Classification: Uncertain significance for Proteosome-associated autoinflammatory syndrome. Last evaluated: 2022-04-04. Review status: criteria provided, single submitter. Criteria: Invitae Variant Classification Sherloc (09022015). Collection method: clinical testing. Allele origin: germline.
Comment: This sequence change replaces arginine, which is basic and polar, with glutamine, which is neutral and polar, at codon 46 of the PSMB8 protein (p.Arg46Gln). This variant is present in population databases (rs758313787, gnomAD 0.05%). This variant has not been reported in the literature in individuals affected with PSMB8-related conditions. ClinVar contains an entry for this variant (Variation ID: 858159). Algorithms developed to predict the effect of missense changes on protein structure and function (SIFT, PolyPhen-2, Align-GVGD) all suggest that this variant is likely to be tolerated. Algorithms developed to predict the effect of sequence changes on RNA splicing suggest that this variant may create or strengthen a splice site. In summary, the available evidence is currently insufficient to determine the role of this variant in disease. Therefore, it has been classified as a Variant of Uncertain Significance.

Illumina Laboratory Services, Illumina
Classification: Uncertain significance for Proteasome-associated autoinflammatory syndrome 1. Last evaluated: 2018-03-02. Review status: criteria provided, single submitter. Criteria: ICSL Variant Classification Criteria 13 December 2019. Collection method: clinical testing. Allele origin: germline.